The following is an entry in ClinVar:

NM_152743.4(BRAT1):c.1007del (p.Gly336fs)

Gene: BRAT1 (BRCA1 associated ATM activator 1; minus strand). Cytogenetic location: 7p22.3.
Variant type: Deletion.
Coding change: c.1007del on transcript NM_152743.4 (MANE Select); coding-DNA position 1007, one base deleted (G; older notation c.1007delG).
Protein change: p.Gly336fs; shifts the reading frame from glycine 336.
Molecular consequence: frameshift variant. On other transcripts: non-coding transcript variant (1).
Genome position (GRCh38, 1-based): chr7:2,542,128, C deleted on the plus strand (G on the coding strand, the reverse complement: BRAT1 is on the minus strand); the first of 2 consecutive C bases (chr7:2,542,128-2,542,129); deleting either gives the same sequence. VCF-style (leftmost placement, unchanged base first): chr7-2542127-TC-T. GRCh37 (hg19) VCF-style: chr7-2581761-TC-T.
Other names: c.1007del, p.Gly336fs (NM_001350626.2); c.482del, p.Gly161fs (NM_001350627.2); short protein forms G336fs, G161fs.
Identifiers: ClinVar variation 1453640 (VCV001453640.6), dbSNP rs2128393384, ClinGen allele CA2573142003.
Genomic context (GRCh38, chr7:2,542,127, plus strand): 5'-CCCAGCCGCAGGGACCCAGGTTCTGCCCTCCCAGCCCTTTCTAAGCAGCACACCTGGGGG[TC>T]CGGGGGCCTGAACCGTGGCCTTCAGGACACAGGCCAGGGGCTGGAGAAGGACCTGGAAGG-3'

ClinVar aggregate classification (germline): Pathogenic (1 of 4 stars; one submission).

Conditions:
Neonatal-onset encephalopathy with rigidity and seizures. Also called: Lethal neonatal spasticity-epileptic encephalopathy syndrome. Identifiers: Orphanet 435845, MedGen C3281029, MONDO:0013784, OMIM 614498.

Submission:

Labcorp Genetics (formerly Invitae), Labcorp
Classification: Pathogenic for Neonatal-onset encephalopathy with rigidity and seizures. Last evaluated: 2022-09-01. Review status: criteria provided, single submitter. Criteria: Invitae Variant Classification Sherloc (09022015). Collection method: clinical testing. Allele origin: germline.
Comment: For these reasons, this variant has been classified as Pathogenic. ClinVar contains an entry for this variant (Variation ID: 1453640). This sequence change creates a premature translational stop signal (p.Gly336Aspfs*60) in the BRAT1 gene. It is expected to result in an absent or disrupted protein product. Loss-of-function variants in BRAT1 are known to be pathogenic (PMID: 22279524, 25500575). This variant is not present in population databases (gnomAD no frequency). This variant has not been reported in the literature in individuals affected with BRAT1-related conditions.

Literature cited by the submitters: PubMed 22279524; PubMed 25500575.